The following is an entry in ClinVar:

ClinVar aggregate classification (germline): Likely pathogenic (1 of 4 stars; one submission).

Conditions:
Autosomal dominant nonsyndromic hearing loss 2A. Also called: DFNA2 Nonsyndromic Hearing Loss; Deafness, autosomal dominant 2A; Autosomal dominant nonsyndromic deafness 2A. Identifiers: Orphanet 90635, MedGen C2677637, MONDO:0010817, OMIM 600101.

Submission:

Juno Genomics, Hangzhou Juno Genomics, Inc
Classification: Likely pathogenic for Autosomal dominant nonsyndromic hearing loss 2A. Review status: criteria provided, single submitter. Criteria: ACMG Guidelines, 2015. Collection method: clinical testing. Allele origin: germline.
Comment: Null variant in a gene where loss of function (LOF) is a known mechanism of disease.;Absent from controls (or at extremely low frequency if recessive) in Genome Aggregation Database.

NM_004700.4(KCNQ4):c.708+2T>C

Gene: KCNQ4 (potassium voltage-gated channel subfamily Q member 4; plus strand). Cytogenetic location: 1p34.2.
Variant type: single nucleotide variant.
Coding change: c.708+2T>C on transcript NM_004700.4 (MANE Select); the canonical splice donor site of the intron after coding-DNA position 708, T replaced by C.
Molecular consequence: splice donor variant.
Genome position (GRCh38, 1-based): chr1:40,818,682, T>C. VCF-style: chr1-40818682-T-C. GRCh37 (hg19) VCF-style: chr1-41284354-T-C.
Other names: c.708+2T>C (NM_172163.3).
Identifiers: ClinVar variation 5006573 (VCV005006573.2).